The following is an entry in ClinVar:

NM_003785.4(PAGE1):c.293-22_293-4del

Gene: PAGE1 (PAGE family member 1; minus strand). Cytogenetic location: Xp11.23.
Variant type: Deletion.
Coding change: c.293-22_293-4del on transcript NM_003785.4 (MANE Select); 22 bases into the intron before coding-DNA position 293 through 4 bases into the intron before coding-DNA position 293, 19 bases deleted (TTTTTTTTTTTTTTTTTTT).
Molecular consequence: intron variant.
Genome position (GRCh38, 1-based): chrX:49,689,547-49,689,565, AAAAAAAAAAAAAAAAAAA deleted on the plus strand (TTTTTTTTTTTTTTTTTTT on the coding strand, the reverse complement: PAGE1 is on the minus strand); deleting any 19 consecutive bases within chrX:49,689,547-49,689,576 gives the same sequence; the c. name uses the placement nearest the transcript's 3' end. VCF-style (leftmost placement, unchanged base first): chrX-49689546-TAAAAAAAAAAAAAAAAAAA-T. GRCh37 (hg19) VCF-style: chrX-49454149-TAAAAAAAAAAAAAAAAAAA-T.
Identifiers: ClinVar variation 4873435 (VCV004873435.2).

ClinVar aggregate classification (germline): Likely benign (1 of 4 stars; one submission).

Submission:

CeGaT Center for Human Genetics Tuebingen
Classification: Likely benign. Last evaluated: 2026-06-01. Review status: criteria provided, single submitter. Criteria: CeGaT Center For Human Genetics Tuebingen Variant Classification Criteria Version 2. Collection method: clinical testing. Allele origin: germline. Affected: yes. Observed: 1 variant allele.
Comment: PAGE1: BP4, BS2